The following is an entry in ClinVar:

ClinVar aggregate classification (germline): Uncertain significance (1 of 4 stars; one submission).

Submission:

Labcorp Genetics (formerly Invitae), Labcorp
Classification: Uncertain significance. Last evaluated: 2025-08-29. Review status: criteria provided, single submitter. Criteria: Invitae Variant Classification Sherloc (09022015). Collection method: clinical testing. Allele origin: germline.
Comment: This sequence change replaces cysteine, which is neutral and slightly polar, with tyrosine, which is neutral and polar, at codon 98 of the SLC16A1 protein (p.Cys98Tyr). This variant is not present in population databases (gnomAD no frequency). This variant has not been reported in the literature in individuals affected with SLC16A1-related conditions. An algorithm developed to predict the effect of missense changes on protein structure and function (PolyPhen-2) suggests that this variant is likely to be tolerated. In summary, the available evidence is currently insufficient to determine the role of this variant in disease. Therefore, it has been classified as a Variant of Uncertain Significance.

NM_003051.4(SLC16A1):c.293G>A (p.Cys98Tyr)

Gene: SLC16A1 (solute carrier family 16 member 1; minus strand). Cytogenetic location: 1p13.2.
Variant type: single nucleotide variant.
Coding change: c.293G>A on transcript NM_003051.4 (MANE Select); coding-DNA position 293, G replaced by A.
Protein change: p.Cys98Tyr; replaces cysteine 98 with tyrosine.
Molecular consequence: missense variant.
Genome position (GRCh38, 1-based): chr1:112,922,058, C>T on the plus strand (G>A on the coding strand, the complement: SLC16A1 is on the minus strand). VCF-style: chr1-112922058-C-T. GRCh37 (hg19) VCF-style: chr1-113464680-C-T.
Other names: c.293G>A, p.Cys98Tyr (NM_001166496.2); short protein forms C98Y.
Identifiers: ClinVar variation 4715966 (VCV004715966.1).